The following is an entry in ClinVar:

ClinVar aggregate classification (germline): Conflicting classifications of pathogenicity. Review status: criteria provided, conflicting classifications (1 of 4 stars). 3 submissions from 2 submitters: Likely pathogenic (1); Uncertain significance (2). Last evaluated 2011-08-18.

Conditions:
Transitory neonatal diabetes mellitus. Also called: Transient neonatal diabetes mellitus. Identifiers: MedGen C0342273, MONDO:0020525, HP:0008255.
Maturity-onset diabetes of the young (MODY). Also called: Maturity onset diabetes mellitus in young. Identifiers: Orphanet 552, MedGen C0342276, MONDO:0018911, HP:0004904.
Neonatal diabetes mellitus (NDM). Identifiers: Orphanet 224, MedGen C0158981, MONDO:0016391.

Submissions (3):

Women's Health and Genetics/Laboratory Corporation of America, LabCorp
Classification: Likely pathogenic for Neonatal Diabetes Mellitus. Last evaluated: 2011-08-18. Review status: criteria provided, single submitter. Criteria: LabCorp Variant Classification Summary - May 2015. Collection method: curation, clinical testing. Allele origin: germline. Inheritance: autosomal unknown. Affected: yes.
ClinVar note: Converted during submission from likely pathogenic to Likely pathogenic.

Clinical Genomics, Uppaluri K&H Personalized Medicine Clinic
Classification: Uncertain significance for Maturity-onset diabetes of the young. Review status: criteria provided, single submitter. Criteria: K & H Uppaluri Personalized Medicine Clinic Variant Classification & Assertion Criteria_Updated V.1. Collection method: research. Allele origin: somatic. Inheritance: Somatic mutation.
Comment: Mutations in ABCC8 gene are associated with both neonatal diabetes mellitus as well as MODY. Patients with this mutation may have a better response to sulfonylureas. However, no sufficient evidence is found to ascertain the role of this particular variant (rs193922406) in MODY yet.

Clinical Genomics, Uppaluri K&H Personalized Medicine Clinic
Classification: Uncertain significance for Transitory neonatal diabetes mellitus. Review status: criteria provided, single submitter. Criteria: K & H Uppaluri Personalized Medicine Clinic Variant Classification & Assertion Criteria_Updated V.1. Collection method: research. Allele origin: somatic. Inheritance: Somatic mutation.
Comment: Mutations in ABCC8 gene are associated with both neonatal diabetes mellitus as well as MODY. Patients with this mutation may have a better response to sulfonylureas. However, no sufficient evidence is found to ascertain the role of this particular variant (rs193922406) in neonatal diabetes yet.

Literature cited by the submitters: PubMed 16885549 (cited by Clinical Genomics, Uppaluri K&H Personalized Medicine Clinic); PubMed 21989597 (cited by Clinical Genomics, Uppaluri K&H Personalized Medicine Clinic); PubMed 27538677 (cited by Clinical Genomics, Uppaluri K&H Personalized Medicine Clinic); PubMed 18981553 (cited by Clinical Genomics, Uppaluri K&H Personalized Medicine Clinic); PubMed 32027066 (cited by Clinical Genomics, Uppaluri K&H Personalized Medicine Clinic); PubMed 16613899 (cited by Clinical Genomics, Uppaluri K&H Personalized Medicine Clinic); PubMed 18025408 (cited by Clinical Genomics, Uppaluri K&H Personalized Medicine Clinic); PubMed 32792356 (cited by Clinical Genomics, Uppaluri K&H Personalized Medicine Clinic).

NM_000352.6(ABCC8):c.4553T>G (p.Ile1518Ser)

Gene: ABCC8 (ATP binding cassette subfamily C member 8; minus strand). Cytogenetic location: 11p15.1.
Variant type: single nucleotide variant.
Coding change: c.4553T>G on transcript NM_000352.6 (MANE Select); coding-DNA position 4553, T replaced by G.
Protein change: p.Ile1518Ser; replaces isoleucine 1518 with serine.
Molecular consequence: missense variant. On other transcripts: non-coding transcript variant (1).
Genome position (GRCh38, 1-based): chr11:17,393,752, A>C on the plus strand (T>G on the coding strand, the complement: ABCC8 is on the minus strand). VCF-style: chr11-17393752-A-C. GRCh37 (hg19) VCF-style: chr11-17415299-A-C.
Other names: c.4556T>G, p.Ile1519Ser (NM_001287174.3); c.4619T>G, p.Ile1540Ser (NM_001351295.2); c.4553T>G, p.Ile1518Ser (NM_001351296.2); c.4550T>G, p.Ile1517Ser (NM_001351297.2); short protein forms I1518S, I1519S, I1517S, I1540S.
Identifiers: ClinVar variation 35621 (VCV000035621.4), dbSNP rs193922406, ClinGen allele CA213464.
Genomic context (GRCh38, chr11:17,393,752, plus strand): 5'-CTTACCGCGATGGTGACCACAGTGCGGTCTGCGAAGGCTGTCATCACCACCTTTTGGAGG[A>C]TGTTTTCCTGCCAAGTGGGGGCAACAGCTGTTGGCTCACCTGCCCAGTGGATGGGGTCTG-3'
Protein context (NP_000343.2, residues 1508-1528): TASIDMATEN[Ile1518Ser]LQKVVMTAFA